The following is an entry in ClinVar:

ClinVar aggregate classification (germline): Uncertain significance (1 of 4 stars; one submission).

Submission:

GeneDx
Classification: Uncertain significance. Last evaluated: 2022-07-13. Review status: criteria provided, single submitter. Criteria: GeneDx Variant Classification Process June 2021. Collection method: clinical testing. Allele origin: germline. Affected: yes.
Comment: Not observed at significant frequency in large population cohorts (gnomAD); Nonsense variant predicted to result in protein truncation or nonsense mediated decay in a gene or region of a gene for which loss of function is not a well-established mechanism of disease; Has not been previously published as pathogenic or benign to our knowledge

NM_001394062.1(MACF1):c.12508_12512delinsGCCTCCAGACCACCGTGAGGTCACCA (p.Met4170_Val4171delinsAlaSerArgProProTer)

Gene: MACF1 (microtubule actin crosslinking factor 1; plus strand). Cytogenetic location: 1p34.3.
Variant type: Indel.
Coding change: c.12508_12512delinsGCCTCCAGACCACCGTGAGGTCACCA on transcript NM_001394062.1 (MANE Select); coding-DNA positions 12508 to 12512, ATGGT replaced by GCCTCCAGACCACCGTGAGGTCACCA.
Protein change: p.Met4170_Val4171delinsAlaSerArgProProTer.
Molecular consequence: nonsense.
Genome position (GRCh38, 1-based): chr1:39,361,414-39,361,418, ATGGT replaced by GCCTCCAGACCACCGTGAGGTCACCA. VCF-style: chr1-39361414-ATGGT-GCCTCCAGACCACCGTGAGGTCACCA. GRCh37 (hg19) VCF-style: chr1-39827086-ATGGT-GCCTCCAGACCACCGTGAGGTCACCA.
Other names: c.6322_6326delinsGCCTCCAGACCACCGTGAGGTCACCA, p.Met2108_Val2109delinsAlaSerArgProProTer (NM_012090.5).
Identifiers: ClinVar variation 1878685 (VCV001878685.1), dbSNP rs2522398616, ClinGen allele CA2580062717.